The following is an entry in ClinVar:

ClinVar aggregate classification (germline): Uncertain significance. Review status: criteria provided, multiple submitters, no conflicts (2 of 4 stars). 2 submissions from 2 submitters: Uncertain significance (2). Last evaluated 2025-02-04.

Conditions:
Hereditary cancer-predisposing syndrome. Also called: Hereditary neoplastic syndrome; Neoplastic Syndromes, Hereditary; Tumor predisposition; Hereditary Cancer Syndrome. Identifiers: Orphanet 140162, MedGen C0027672, MeSH D009386, MONDO:0015356.
DICER1-related tumor predisposition. Also called: DICER1-related pleuropulmonary blastoma cancer predisposition syndrome; DICER1 syndrome. Identifiers: Orphanet 284343, MedGen C3839822, MONDO:0100216.

gnomAD v4.1: 6 of 1,614,054 alleles (0.00037%); highest among the groups gnomAD compares: Non-Finnish European, 0.00051%; no homozygotes.

Submissions (2):

Labcorp Genetics (formerly Invitae), Labcorp
Classification: Uncertain significance for DICER1-related tumor predisposition. Last evaluated: 2025-02-04. Review status: criteria provided, single submitter. Criteria: Invitae Variant Classification Sherloc (09022015). Collection method: clinical testing. Allele origin: germline.
Comment: This sequence change replaces arginine, which is basic and polar, with glycine, which is neutral and non-polar, at codon 385 of the DICER1 protein (p.Arg385Gly). This variant is not present in population databases (gnomAD no frequency). This variant has not been reported in the literature in individuals affected with DICER1-related conditions. ClinVar contains an entry for this variant (Variation ID: 483416). Invitae Evidence Modeling of protein sequence and biophysical properties (such as structural, functional, and spatial information, amino acid conservation, physicochemical variation, residue mobility, and thermodynamic stability) indicates that this missense variant is not expected to disrupt DICER1 protein function with a negative predictive value of 95%. In summary, the available evidence is currently insufficient to determine the role of this variant in disease. Therefore, it has been classified as a Variant of Uncertain Significance.

Ambry Genetics
Classification: Uncertain significance for Hereditary cancer-predisposing syndrome. Last evaluated: 2022-06-02. Review status: criteria provided, single submitter. Criteria: Ambry Variant Classification Scheme 2023. Collection method: clinical testing. Allele origin: germline.
Comment: The p.R385G variant (also known as c.1153C>G), located in coding exon 7 of the DICER1 gene, results from a C to G substitution at nucleotide position 1153. The arginine at codon 385 is replaced by glycine, an amino acid with dissimilar properties. This amino acid position is well conserved in available vertebrate species. In addition, the in silico prediction for this alteration is inconclusive. Since supporting evidence is limited at this time, the clinical significance of this alteration remains unclear.

NM_177438.3(DICER1):c.1153C>G (p.Arg385Gly)

Gene: DICER1 (dicer 1, ribonuclease III; minus strand). Cytogenetic location: 14q32.13.
Variant type: single nucleotide variant.
Coding change: c.1153C>G on transcript NM_177438.3 (MANE Select); coding-DNA position 1153, C replaced by G.
Protein change: p.Arg385Gly; replaces arginine 385 with glycine.
Molecular consequence: missense variant.
Genome position (GRCh38, 1-based): chr14:95,124,419, G>C on the plus strand (C>G on the coding strand, the complement: DICER1 is on the minus strand). VCF-style: chr14-95124419-G-C. GRCh37 (hg19) VCF-style: chr14-95590756-G-C.
Other names: c.1153C>G, p.Arg385Gly (NM_001195573.1, NM_001271282.3, NM_001291628.2 and 1 more transcripts); short protein forms R385G.
Identifiers: ClinVar variation 483416 (VCV000483416.6), dbSNP rs746886465, ClinGen allele CA390886848.